The following is an entry in ClinVar:

ClinVar aggregate classification (germline): Conflicting classifications of pathogenicity. Review status: criteria provided, conflicting classifications (1 of 4 stars). 2 submissions from 2 submitters: Uncertain significance (1); Likely benign (1). Last evaluated 2025-10-18.

Conditions:
Rhabdoid tumor predisposition syndrome 2 (RTPS2). Identifiers: Orphanet 231108, Orphanet 69077, MedGen C2750074, MONDO:0013224, OMIM 613325.
Hereditary cancer-predisposing syndrome. Also called: Neoplastic Syndromes, Hereditary; Tumor predisposition; Hereditary neoplastic syndrome; Hereditary Cancer Syndrome. Identifiers: Orphanet 140162, MedGen C0027672, MeSH D009386, MONDO:0015356.

Allele frequency attached by ClinVar (database versions not stated): gnomAD below 0.00001 and 0.00001; gnomAD exomes below 0.00001 and 0.00001; TOPMed below 0.00001; ExAC 0.00001.

Submissions (2):

Labcorp Genetics (formerly Invitae), Labcorp
Classification: Uncertain significance for Rhabdoid tumor predisposition syndrome 2. Last evaluated: 2025-10-18. Review status: criteria provided, single submitter. Criteria: Invitae Variant Classification Sherloc (09022015). Collection method: clinical testing. Allele origin: germline.
Comment: This sequence change replaces alanine, which is neutral and non-polar, with threonine, which is neutral and polar, at codon 293 of the SMARCA4 protein (p.Ala293Thr). The frequency data for this variant in the population databases is considered unreliable, as metrics indicate poor data quality at this position in the gnomAD database. This variant has not been reported in the literature in individuals affected with SMARCA4-related conditions. ClinVar contains an entry for this variant (Variation ID: 579359). An algorithm developed to predict the effect of missense changes on protein structure and function (PolyPhen-2) suggests that this variant is likely to be disruptive. In summary, the available evidence is currently insufficient to determine the role of this variant in disease. Therefore, it has been classified as a Variant of Uncertain Significance.

Ambry Genetics
Classification: Likely benign for Hereditary cancer-predisposing syndrome. Last evaluated: 2025-09-08. Review status: criteria provided, single submitter. Criteria: Ambry Variant Classification Scheme 2023. Collection method: clinical testing. Allele origin: germline.

NM_003072.5(SMARCA4):c.877G>A (p.Ala293Thr)

Gene: SMARCA4 (SWI/SNF related BAF chromatin remodeling complex subunit ATPase 4; plus strand). Cytogenetic location: 19p13.2.
Variant type: single nucleotide variant.
Coding change: c.877G>A on transcript NM_003072.5 (MANE Select); coding-DNA position 877, G replaced by A.
Protein change: p.Ala293Thr; replaces alanine 293 with threonine.
Molecular consequence: missense variant. On other transcripts: non-coding transcript variant (1).
Genome position (GRCh38, 1-based): chr19:10,987,683, G>A. VCF-style: chr19-10987683-G-A. GRCh37 (hg19) VCF-style: chr19-11098359-G-A.
Other names: c.877G>A, p.Ala293Thr (NM_001128844.3, NM_001128845.2, NM_001128846.2 and 5 more transcripts); short protein forms A293T.
Identifiers: ClinVar variation 579359 (VCV000579359.12), dbSNP rs754742854, ClinGen allele CA9203618.